The following is an entry in ClinVar:

ClinVar aggregate classification (germline): Uncertain significance (1 of 4 stars; one submission).

Conditions:
Immunodeficiency 51 (IMD51). Also called: CANDIDIASIS, FAMILIAL, 5. Identifiers: Orphanet 1334, MedGen C4310803, MONDO:0013500, OMIM 613953.

Submission:

Labcorp Genetics (formerly Invitae), Labcorp
Classification: Uncertain significance for Immunodeficiency 51. Last evaluated: 2024-10-16. Review status: criteria provided, single submitter. Criteria: Invitae Variant Classification Sherloc (09022015). Collection method: clinical testing. Allele origin: germline.
Comment: This sequence change replaces alanine, which is neutral and non-polar, with threonine, which is neutral and polar, at codon 368 of the IL17RA protein (p.Ala368Thr). This variant is not present in population databases (gnomAD no frequency). This variant has not been reported in the literature in individuals affected with IL17RA-related conditions. ClinVar contains an entry for this variant (Variation ID: 576353). Invitae Evidence Modeling of protein sequence and biophysical properties (such as structural, functional, and spatial information, amino acid conservation, physicochemical variation, residue mobility, and thermodynamic stability) indicates that this missense variant is not expected to disrupt IL17RA protein function with a negative predictive value of 80%. In summary, the available evidence is currently insufficient to determine the role of this variant in disease. Therefore, it has been classified as a Variant of Uncertain Significance.

NM_014339.7(IL17RA):c.1102G>A (p.Ala368Thr)

Gene: IL17RA (interleukin 17 receptor A; plus strand). Cytogenetic location: 22q11.1.
Variant type: single nucleotide variant.
Coding change: c.1102G>A on transcript NM_014339.7 (MANE Select); coding-DNA position 1102, G replaced by A.
Protein change: p.Ala368Thr; replaces alanine 368 with threonine.
Molecular consequence: missense variant.
Genome position (GRCh38, 1-based): chr22:17,108,321, G>A. VCF-style: chr22-17108321-G-A. GRCh37 (hg19) VCF-style: chr22-17589211-G-A.
Other names: c.1000G>A, p.Ala334Thr (NM_001289905.2); short protein forms A368T, A334T.
Identifiers: ClinVar variation 576353 (VCV000576353.8), dbSNP rs1568923119, ClinGen allele CA410215966.